The following is an entry in ClinVar:

ClinVar aggregate classification (germline): Likely pathogenic (1 of 4 stars; one submission).

Conditions:
Malignant hyperthermia, susceptibility to, 5 (MHS5). Also called: CACNA1S-Related Malignant Hyperthermia Susceptibility. Identifiers: Orphanet 423, MedGen C1866077, MONDO:0011163, OMIM 601887.
Hypokalemic periodic paralysis, type 1. Also called: Hypokalemic Periodic Paralysis Type 1 (AD); HypoPP. Identifiers: Orphanet 681, MedGen C3714580, MONDO:0042979, OMIM 170400.

Allele frequency attached by ClinVar (database versions not stated): gnomAD exomes below 0.00001.
gnomAD v4.1: 1 of 1,613,872 alleles (0.000062%); highest among the groups gnomAD compares: South Asian, 0.0011%; no homozygotes.

Submission:

Labcorp Genetics (formerly Invitae), Labcorp
Classification: Likely pathogenic for Hypokalemic periodic paralysis, type 1; Malignant hyperthermia, susceptibility to, 5. Last evaluated: 2023-10-23. Review status: criteria provided, single submitter. Criteria: Invitae Variant Classification Sherloc (09022015). Collection method: clinical testing. Allele origin: germline.
Comment: This sequence change affects an acceptor splice site in intron 16 of the CACNA1S gene. It is expected to disrupt RNA splicing. Variants that disrupt the donor or acceptor splice site typically lead to a loss of protein function (PMID: 16199547), and loss-of-function variants in CACNA1S are known to be pathogenic (PMID: 26247046, 28012042). This variant is not present in population databases (gnomAD no frequency). This variant has not been reported in the literature in individuals affected with CACNA1S-related conditions. Algorithms developed to predict the effect of sequence changes on RNA splicing suggest that this variant may disrupt the consensus splice site. In summary, the currently available evidence indicates that the variant is pathogenic, but additional data are needed to prove that conclusively. Therefore, this variant has been classified as Likely Pathogenic.

Literature cited by the submitters: PubMed 16199547; PubMed 26247046; PubMed 28012042.

NM_000069.3(CACNA1S):c.2228-1G>A

Gene: CACNA1S (calcium voltage-gated channel subunit alpha1 S; minus strand). Cytogenetic location: 1q32.1.
Variant type: single nucleotide variant.
Coding change: c.2228-1G>A on transcript NM_000069.3 (MANE Select); the canonical splice acceptor site of the intron before coding-DNA position 2228, G replaced by A.
Molecular consequence: splice acceptor variant.
Genome position (GRCh38, 1-based): chr1:201,070,405, C>T on the plus strand (G>A on the coding strand, the complement: CACNA1S is on the minus strand). VCF-style: chr1-201070405-C-T. GRCh37 (hg19) VCF-style: chr1-201039533-C-T.
Identifiers: ClinVar variation 2953220 (VCV002953220.3), dbSNP rs2464539907, ClinGen allele CA344109743.